The following is an entry in ClinVar:

ClinVar aggregate classification (germline): Likely benign (1 of 4 stars; one submission).

Allele frequency attached by ClinVar (database versions not stated): gnomAD exomes 0.00003; ExAC 0.00005; ESP Exome Variant Server 0.00017.

Submission:

CeGaT Center for Human Genetics Tuebingen
Classification: Likely benign. Last evaluated: 2026-04-01. Review status: criteria provided, single submitter. Criteria: CeGaT Center For Human Genetics Tuebingen Variant Classification Criteria Version 2. Collection method: clinical testing. Allele origin: germline. Affected: yes. Observed: 2 variant alleles.
Comment: AHNAK2: BP4, BP7

NM_138420.4(AHNAK2):c.3534A>T (p.Pro1178=)

Gene: AHNAK2 (AHNAK nucleoprotein 2; minus strand). Cytogenetic location: 14q32.33.
Variant type: single nucleotide variant.
Coding change: c.3534A>T on transcript NM_138420.4 (MANE Select); coding-DNA position 3534, A replaced by T.
Protein change: p.Pro1178=; no amino-acid change (proline 1178 retained).
Molecular consequence: synonymous variant.
Genome position (GRCh38, 1-based): chr14:104,951,917, T>A on the plus strand (A>T on the coding strand, the complement: AHNAK2 is on the minus strand). VCF-style: chr14-104951917-T-A. GRCh37 (hg19) VCF-style: chr14-105418254-T-A.
Other names: c.3234A>T, p.Pro1078= (NM_001350929.2).
Identifiers: ClinVar variation 2644848 (VCV002644848.24), dbSNP rs374134421, ClinGen allele CA7382960.